The following is an entry in ClinVar:

ClinVar aggregate classification (germline): Pathogenic (1 of 4 stars; one submission).

Conditions:
Retinitis pigmentosa 25 (RP25). Identifiers: Orphanet 791, MedGen C1864446, MONDO:0011272, OMIM 602772.

Submission:

Myriad Genetics, Inc.
Classification: Pathogenic for Retinitis pigmentosa 25. Last evaluated: 2025-12-29. Review status: criteria provided, single submitter. Criteria: Myriad Autosomal Dominant, Autosomal Recessive and X-Linked Classification Criteria (2023). Collection method: clinical testing. Allele origin: unknown.
Comment: NM_001142800.1(EYS):c.8531_8541del11(F2844Yfs*8) is a frameshift variant classified as pathogenic in the context of retinitis pigmentosa, EYS-related. F2844Yfs*8 has not been observed in cases with relevant disease. Relevant functional assessments of this variant are not available in the literature. F2844Yfs*8 has not been observed in referenced population frequency databases. In summary, NM_001142800.1(EYS):c.8531_8541del11(F2844Yfs*8) is a frameshift variant in a gene where loss of function is a known mechanism of disease and is predicted to disrupt protein function. Please note: this variant was assessed in the context of healthy population screening.

NM_001142800.2(EYS):c.8531_8541del (p.Phe2844fs)

Genes: EYS (EGF-like photoreceptor maintenance factor; minus strand), PHF3 (PHD finger protein 3; plus strand). Cytogenetic location: 6q12.
Variant type: Deletion.
Coding change: c.8531_8541del on transcript NM_001142800.2 (MANE Select); coding-DNA positions 8531 to 8541, 11 bases deleted (TTCAAGGCTGT).
Protein change: p.Phe2844fs; shifts the reading frame from phenylalanine 2844.
Molecular consequence: frameshift variant. On other transcripts: 3 prime UTR variant (5).
Genome position (GRCh38, 1-based): chr6:63,721,490-63,721,500, ACAGCCTTGAA deleted on the plus strand (TTCAAGGCTGT on the coding strand, the reverse complement: EYS is on the minus strand); deleting any 11 consecutive bases within chr6:63,721,490-63,721,501 gives the same sequence; the c. name uses the placement nearest the transcript's 3' end. VCF-style (leftmost placement, unchanged base first): chr6-63721489-TACAGCCTTGAA-T. GRCh37 (hg19) VCF-style: chr6-64431385-TACAGCCTTGAA-T.
Other names: c.*7783_*7793del (NM_001290259.2, NM_001370348.2, NM_001370349.2 and 2 more transcripts); c.8594_8604del, p.Phe2865fs (NM_001292009.2); short protein forms F2865fs, F2844fs.
Identifiers: ClinVar variation 5003862 (VCV005003862.1).